The following is an entry in ClinVar:

NM_000404.4(GLB1):c.1481G>A (p.Gly494Asp)

Gene: GLB1 (galactosidase beta 1; minus strand). Cytogenetic location: 3p22.3.
Variant type: single nucleotide variant.
Coding change: c.1481G>A on transcript NM_000404.4 (MANE Select); coding-DNA position 1481, G replaced by A.
Protein change: p.Gly494Asp; replaces glycine 494 with aspartic acid.
Molecular consequence: missense variant.
Genome position (GRCh38, 1-based): chr3:33,014,309, C>T on the plus strand (G>A on the coding strand, the complement: GLB1 is on the minus strand). VCF-style: chr3-33014309-C-T. GRCh37 (hg19) VCF-style: chr3-33055801-C-T.
Other names: c.1391G>A, p.Gly464Asp (NM_001079811.3); c.1088G>A, p.Gly363Asp (NM_001135602.3); c.1625G>A, p.Gly542Asp (NM_001317040.2); c.1481G>A, p.Gly494Asp (NM_001393580.1); short protein forms G363D, G464D, G494D, G542D.
Identifiers: ClinVar variation 3366464 (VCV003366464.1).

ClinVar aggregate classification (germline): Uncertain significance (1 of 4 stars; one submission).

Submission:

Women's Health and Genetics/Laboratory Corporation of America, LabCorp
Classification: Uncertain significance. Last evaluated: 2024-08-06. Review status: criteria provided, single submitter. Criteria: LabCorp Variant Classification Summary - May 2015. Collection method: clinical testing. Allele origin: germline.
Comment: Variant summary: GLB1 c.1481G>A (p.Gly494Asp) results in a non-conservative amino acid change located in the Glycoside hydrolase 35, catalytic domain (IPR031330) of the encoded protein sequence. Five of five in-silico tools predict a damaging effect of the variant on protein function. The variant was absent in 245800 control chromosomes. The available data on variant occurrences in the general population are insufficient to allow any conclusion about variant significance. To our knowledge, no occurrence of c.1481G>A in individuals affected with Mucopolysaccharidosis Type IVB (Morquio Syndrome B) and no experimental evidence demonstrating its impact on protein function have been reported. No submitters have cited clinical-significance assessments for this variant to ClinVar. Based on the evidence outlined above, the variant was classified as uncertain significance.